The following is an entry in ClinVar:

NM_006946.4(SPTBN2):c.5475G>A (p.Pro1825=)

Gene: SPTBN2 (spectrin beta, non-erythrocytic 2; minus strand). Cytogenetic location: 11q13.2.
Variant type: single nucleotide variant.
Coding change: c.5475G>A on transcript NM_006946.4 (MANE Select); coding-DNA position 5475, G replaced by A.
Protein change: p.Pro1825=; no amino-acid change (proline 1825 retained).
Molecular consequence: synonymous variant.
Genome position (GRCh38, 1-based): chr11:66,691,374, C>T on the plus strand (G>A on the coding strand, the complement: SPTBN2 is on the minus strand). VCF-style: chr11-66691374-C-T. GRCh37 (hg19) VCF-style: chr11-66458845-C-T.
Identifiers: ClinVar variation 1256181 (VCV001256181.3), dbSNP rs34806527, ClinGen allele CA6128266.

ClinVar aggregate classification (germline): Benign. Review status: criteria provided, single submitter (1 of 4 stars). 2 submissions from 2 submitters: Benign (1). 1 of the submissions does not count toward it. Last evaluated 2021-05-26.

Conditions:
SPTBN2-related disorder. Also called: SPTBN2-related condition.

gnomAD v4.1: 34 of 1,594,622 alleles (0.0021%); highest among the groups gnomAD compares: African/African-American, 0.012%; no homozygotes.

Submissions (2):

Athena Diagnostics
Classification: Benign. Last evaluated: 2021-05-26. Review status: criteria provided, single submitter. Criteria: Athena Diagnostics criteria. Collection method: clinical testing. Allele origin: unknown.

PreventionGenetics, part of Exact Sciences
Classification: Likely benign for SPTBN2-related condition. Last evaluated: 2019-08-14. Review status: no assertion criteria provided. Collection method: clinical testing. Allele origin: germline. Not counted in ClinVar's aggregate classification.
Comment: This variant is classified as likely benign based on ACMG/AMP sequence variant interpretation guidelines (Richards et al. 2015 PMID: 25741868, with internal and published modifications).